The following is an entry in ClinVar:

ClinVar aggregate classification (germline): Uncertain significance (1 of 4 stars; one submission).

Allele frequency attached by ClinVar (database versions not stated): gnomAD exomes 0.00002; ExAC 0.00003; gnomAD 0.00003; TOPMed 0.00004; ESP Exome Variant Server 0.00008.
gnomAD v4.1: 30 of 1,610,950 alleles (0.0019%); highest among the groups gnomAD compares: African/African-American, 0.0027%; no homozygotes.

Submission:

Labcorp Genetics (formerly Invitae), Labcorp
Classification: Uncertain significance. Last evaluated: 2023-08-04. Review status: criteria provided, single submitter. Criteria: Invitae Variant Classification Sherloc (09022015). Collection method: clinical testing. Allele origin: germline.
Comment: This variant is present in population databases (rs371466941, gnomAD 0.008%). This sequence change replaces threonine, which is neutral and polar, with methionine, which is neutral and non-polar, at codon 506 of the OBSL1 protein (p.Thr506Met). This variant has not been reported in the literature in individuals affected with OBSL1-related conditions. ClinVar contains an entry for this variant (Variation ID: 2184747). An algorithm developed to predict the effect of missense changes on protein structure and function (PolyPhen-2) suggests that this variant is likely to be disruptive. In summary, the available evidence is currently insufficient to determine the role of this variant in disease. Therefore, it has been classified as a Variant of Uncertain Significance.

NM_015311.3(OBSL1):c.1517C>T (p.Thr506Met)

Gene: OBSL1 (obscurin like cytoskeletal adaptor 1; minus strand). Cytogenetic location: 2q35.
Variant type: single nucleotide variant.
Coding change: c.1517C>T on transcript NM_015311.3 (MANE Select); coding-DNA position 1517, C replaced by T.
Protein change: p.Thr506Met; replaces threonine 506 with methionine.
Molecular consequence: missense variant.
Genome position (GRCh38, 1-based): chr2:219,567,735, G>A on the plus strand (C>T on the coding strand, the complement: OBSL1 is on the minus strand). VCF-style: chr2-219567735-G-A. GRCh37 (hg19) VCF-style: chr2-220432457-G-A.
Other names: c.1517C>T, p.Thr506Met (NM_001173408.2, NM_001173431.2); short protein forms T506M.
Identifiers: ClinVar variation 2184747 (VCV002184747.4), dbSNP rs371466941, ClinGen allele CA2131517.